The following is an entry in ClinVar:

ClinVar aggregate classification (germline): Pathogenic (1 of 4 stars; one submission).

Conditions:
Familial cancer of breast. Also called: BREAST CANCER, FAMILIAL; Hereditary breast cancer; hereditary breast carcinoma. Identifiers: Orphanet 227535, MedGen C0346153, MONDO:0016419, OMIM 114480. Disease mechanism: loss of function.

Submission:

Myriad Genetics, Inc.
Classification: Pathogenic for Familial cancer of breast. Last evaluated: 2024-01-19. Review status: criteria provided, single submitter. Criteria: Myriad Autosomal Dominant, Autosomal Recessive and X-Linked Classification Criteria (2023). Collection method: clinical testing. Allele origin: unknown.
Comment: This variant is considered pathogenic. This variant creates a frameshift predicted to result in premature protein truncation.

NM_000051.4(ATM):c.3310del (p.Ser1104fs)

Gene: ATM (ATM serine/threonine kinase; plus strand). Cytogenetic location: 11q22.3.
Variant type: Deletion.
Coding change: c.3310del on transcript NM_000051.4 (MANE Select); coding-DNA position 3310, one base deleted (T; older notation c.3310delT).
Protein change: p.Ser1104fs; shifts the reading frame from serine 1104.
Molecular consequence: frameshift variant.
Genome position (GRCh38, 1-based): chr11:108,279,516, T deleted; the last of 2 consecutive T bases (chr11:108,279,515-108,279,516); deleting either gives the same sequence. VCF-style (leftmost placement, unchanged base first): chr11-108279514-AT-A. GRCh37 (hg19) VCF-style: chr11-108150241-AT-A.
Other names: c.3310del, p.Ser1104fs (NM_001351834.2); short protein forms S1104fs.
Identifiers: ClinVar variation 3148010 (VCV003148010.1), dbSNP rs2135642944, ClinGen allele CA2573320276.